The following is an entry in ClinVar:

ClinVar aggregate classification (germline): Pathogenic/Likely pathogenic. Review status: criteria provided, multiple submitters, no conflicts (2 of 4 stars). 3 submissions from 3 submitters: Pathogenic (2); Likely pathogenic (1). Last evaluated 2023-10-26.

Conditions:
Von Hippel-Lindau syndrome (VHLS). Also called: Von Hippel-Lindau; VHL syndrome; von Hippel–Lindau syndrome. Identifiers: Orphanet 892, MedGen C0019562, MONDO:0008667, OMIM 193300. Disease mechanism: loss of function.
Chuvash polycythemia. Also called: POLYCYTHEMIA, VHL-DEPENDENT. Identifiers: Orphanet 238557, MedGen C1837915, MONDO:0009892, OMIM 263400.
Hereditary cancer-predisposing syndrome. Also called: Neoplastic Syndromes, Hereditary; Hereditary Cancer Syndrome; Tumor predisposition; Hereditary neoplastic syndrome. Identifiers: Orphanet 140162, MedGen C0027672, MeSH D009386, MONDO:0015356.

Submissions (3):

Institute for Genomic Medicine (IGM) Clinical Laboratory, Nationwide Children's Hospital
Classification: Likely pathogenic for Von Hippel-Lindau syndrome. Last evaluated: 2023-10-26. Review status: criteria provided, single submitter. Criteria: ACMG Guidelines, 2015. Collection method: clinical testing. Allele origin: germline.
Comment: Well-established functional studies have demonstrated this variant to have a damaging effect on protein function or splicing (ACMG/AMP: PS3_Moderate). This variant has been reported at an elevated frequency in affected individuals/in multiple affected individuals in the literature (ACMG/AMP: PS4; PMIDs:20660572, 31528828). This variant is absent from or present at an exceedingly low frequency in gnomAD, a large-scale control population database (ACMG/AMP: PM2). This variant is predicted to alter protein function or structure, or disrupt splicing by multiple in silico tools (ACMG/AMP: PP3).

Ambry Genetics
Classification: Pathogenic for Hereditary cancer-predisposing syndrome. Last evaluated: 2023-09-14. Review status: criteria provided, single submitter. Criteria: Ambry Variant Classification Scheme 2023. Collection method: clinical testing. Allele origin: germline.
Comment: The p.G114S pathogenic mutation (also known as c.340G>A), located in coding exon 1 of the VHL gene, results from a G to A substitution at nucleotide position 340. The glycine at codon 114 is replaced by serine, an amino acid with similar properties. However, this change occurs in the last base pair of coding exon 1 and may have some effect on normal mRNA splicing. In functional studies, this alteration was shown to reduce binding and decrease ability to ubiquinate a critical transcription factor HIF1-alpha (Hansen WJ et al. Mol Cell Biol, 2002 Mar;22:1947-60). In addition, this alteration was shown to moderately decrease microtubule regulatory functions compared to the wildtype VHL protein (Thoma CR et al. J Cell Biol, 2010 Sep;190(6):991-1003). This alteration has been reported in multiple individuals with features of VHL and/or a clinical diagnosis of VHL (Loughrey PB et al. Endocr Relat Cancer, 2022 Oct;29:R157-R172; Petenuci J et al. Clin Endocrinol (Oxf), 2021 Jul;95:117-124; Krauss T et al. Endocr Relat Cancer, 2018 Sep;25:783-793; Erlic Z et al. Endocr Relat Cancer, 2010 Dec;17:875-83). This variant is considered to be rare based on population cohorts in the Genome Aggregation Database (gnomAD). This nucleotide position is highly conserved in available vertebrate species. In silico splice site analysis predicts that this alteration may weaken the native splice donor site. This amino acid position is highly conserved in available vertebrate species. In addition, as a missense substitution this is predicted to be deleterious by in silico analysis. Based on the supporting evidence, this alteration is interpreted as a disease-causing mutation.

Labcorp Genetics (formerly Invitae), Labcorp
Classification: Pathogenic for Von Hippel-Lindau syndrome; Chuvash polycythemia. Last evaluated: 2020-11-24. Review status: criteria provided, single submitter. Criteria: Invitae Variant Classification Sherloc (09022015). Collection method: clinical testing. Allele origin: germline.
Comment: This sequence change replaces glycine with serine at codon 114 of the VHL protein (p.Gly114Ser). The glycine residue is highly conserved and there is a small physicochemical difference between glycine and serine. This variant also falls at the last nucleotide of exon 1 of the VHL coding sequence, which is part of the consensus splice site for this exon. This variant is not present in population databases (ExAC no frequency). For these reasons, this variant has been classified as Pathogenic. Experimental studies have shown that while this missense change does not affect microtubule stabilization, it does exhibit disrupted microtubule turnover, reduced assembly of the VCB-Cul2 complex, and decreased HIF-1 alpha binding and ubiquitination (PMID: 11865071, 12510195, 20855504). Other missense substitutions at this codon (p.Gly114Arg and p.Gly114Cys) have been reported in individuals affected with VHL syndrome (PMID: 7728151, 27527340, 7987306). This suggests that the glycine residue is critical for VHL protein function and that other missense substitutions at this position may also be pathogenic. This variant has been reported in individuals and families affected with von Hippel-Lindau (VHL) syndrome, or VHL-associated lesions (PMID: 20660572, 23407287, 15002726, Invitae). This variant is also known as c.553G>A in the literature.

Literature cited by the submitters: PubMed 20660572 (cited by 3 submitters); PubMed 31528828 (cited by Institute for Genomic Medicine (IGM) Clinical Laboratory, Nationwide Children's Hospital); PubMed 11865071 (cited by Ambry Genetics and Labcorp Genetics (formerly Invitae), Labcorp); PubMed 20855504 (cited by Ambry Genetics and Labcorp Genetics (formerly Invitae), Labcorp); PubMed 29748190 (cited by Ambry Genetics); PubMed 33745191 (cited by Ambry Genetics); PubMed 35938916 (cited by Ambry Genetics); PubMed 12510195 (cited by Labcorp Genetics (formerly Invitae), Labcorp); PubMed 7728151 (cited by Labcorp Genetics (formerly Invitae), Labcorp); PubMed 27527340 (cited by Labcorp Genetics (formerly Invitae), Labcorp); PubMed 7987306 (cited by Labcorp Genetics (formerly Invitae), Labcorp); PubMed 23407287 (cited by Labcorp Genetics (formerly Invitae), Labcorp); PubMed 15002726 (cited by Labcorp Genetics (formerly Invitae), Labcorp).

NM_000551.4(VHL):c.340G>A (p.Gly114Ser)

Gene: VHL (von Hippel-Lindau tumor suppressor; plus strand). Cytogenetic location: 3p25.3.
Variant type: single nucleotide variant.
Coding change: c.340G>A on transcript NM_000551.4 (MANE Select); coding-DNA position 340, G replaced by A.
Protein change: p.Gly114Ser; replaces glycine 114 with serine.
Molecular consequence: missense variant.
Genome position (GRCh38, 1-based): chr3:10,142,187, G>A. VCF-style: chr3-10142187-G-A. GRCh37 (hg19) VCF-style: chr3-10183871-G-A.
Other names: c.340G>A, p.Val114Ile (NM_001354723.2); c.340G>A, p.Val114Met (NM_198156.3); short protein forms G114S, V114M, V114I.
Identifiers: ClinVar variation 583094 (VCV000583094.12), dbSNP rs869025636, ClinGen allele CA351751372.